The following is an entry in ClinVar:

NM_001122752.2(SERPINI1):c.829G>A (p.Glu277Lys)

Gene: SERPINI1 (serpin family I member 1; plus strand). Cytogenetic location: 3q26.1.
Variant type: single nucleotide variant.
Coding change: c.829G>A on transcript NM_001122752.2 (MANE Select); coding-DNA position 829, G replaced by A.
Protein change: p.Glu277Lys; replaces glutamic acid 277 with lysine.
Molecular consequence: missense variant.
Genome position (GRCh38, 1-based): chr3:167,794,772, G>A. VCF-style: chr3-167794772-G-A. GRCh37 (hg19) VCF-style: chr3-167512560-G-A.
Other names: c.829G>A, p.Glu277Lys (NM_005025.5); c.829G>A (NM_005025.4); short protein forms E277K.
Identifiers: ClinVar variation 1508024 (VCV001508024.11), dbSNP rs2108559953, ClinGen allele CA355157226.

ClinVar aggregate classification (germline): Uncertain significance. Review status: criteria provided, multiple submitters, no conflicts (2 of 4 stars). 4 submissions from 4 submitters: Uncertain significance (4). Last evaluated 2025-06-22.

Conditions:
Familial encephalopathy with neuroserpin inclusion bodies. Also called: ENCEPHALOPATHY, FAMILIAL, WITH COLLINS BODIES. Identifiers: Orphanet 85110, MedGen C1858680, MONDO:0011412, OMIM 604218.

Allele frequency attached by ClinVar (database versions not stated): gnomAD exomes below 0.00001.
gnomAD v4.1: 2 of 1,613,682 alleles (0.00012%); highest among the groups gnomAD compares: Non-Finnish European, 0.00017%; no homozygotes.

Submissions (4):

Labcorp Genetics (formerly Invitae), Labcorp
Classification: Uncertain significance for Familial encephalopathy with neuroserpin inclusion bodies. Last evaluated: 2025-06-22. Review status: criteria provided, single submitter. Criteria: Invitae Variant Classification Sherloc (09022015). Collection method: clinical testing. Allele origin: germline.
Comment: This sequence change replaces glutamic acid, which is acidic and polar, with lysine, which is basic and polar, at codon 277 of the SERPINI1 protein (p.Glu277Lys). This variant is not present in population databases (gnomAD no frequency). This variant has not been reported in the literature in individuals affected with SERPINI1-related conditions. ClinVar contains an entry for this variant (Variation ID: 1508024). Invitae Evidence Modeling of protein sequence and biophysical properties (such as structural, functional, and spatial information, amino acid conservation, physicochemical variation, residue mobility, and thermodynamic stability) indicates that this missense variant is not expected to disrupt SERPINI1 protein function with a negative predictive value of 80%. In summary, the available evidence is currently insufficient to determine the role of this variant in disease. Therefore, it has been classified as a Variant of Uncertain Significance.

Fulgent Genetics
Classification: Uncertain significance for Familial encephalopathy with neuroserpin inclusion bodies. Last evaluated: 2024-03-14. Review status: criteria provided, single submitter. Criteria: ACMG Guidelines, 2015. Collection method: clinical testing. Allele origin: germline.

Mendelics
Classification: Uncertain significance. Last evaluated: 2022-05-04. Review status: criteria provided, single submitter. Criteria: Mendelics Assertion Criteria 2019. Collection method: clinical testing. Allele origin: germline.

Blueprint Genetics
Classification: Uncertain significance. Last evaluated: 2022-04-06. Review status: criteria provided, single submitter. Criteria: ACMG Guidelines, 2015. Collection method: clinical testing. Allele origin: germline.